The following is an entry in ClinVar:

ClinVar aggregate classification (germline): Uncertain significance (1 of 4 stars; one submission).

Conditions:
Desmin-related myofibrillar myopathy (MFM1). Also called: MYOFIBRILLAR MYOPATHY WITH ARRHYTHMOGENIC RIGHT VENTRICULAR CARDIOMYOPATHY; DESMIN-RELATED MYOPATHY WITH ARRHYTHMOGENIC RIGHT VENTRICULAR CARDIOMYOPATHY; Myofibrillar myopathy 1; Desminopathy; Desmin related myopathy (former name); Desmin storage myopathy (former name). Identifiers: Orphanet 363543, Orphanet 98909, MedGen C1832370, MONDO:0011076, OMIM 601419.

Submission:

Labcorp Genetics (formerly Invitae), Labcorp
Classification: Uncertain significance for Desmin-related myofibrillar myopathy. Last evaluated: 2023-01-31. Review status: criteria provided, single submitter. Criteria: Invitae Variant Classification Sherloc (09022015). Collection method: clinical testing. Allele origin: germline.
Comment: This sequence change replaces glutamine, which is neutral and polar, with leucine, which is neutral and non-polar, at codon 55 of the DES protein (p.Gln55Leu). This variant is not present in population databases (gnomAD no frequency). This variant has not been reported in the literature in individuals affected with DES-related conditions. Advanced modeling of protein sequence and biophysical properties (such as structural, functional, and spatial information, amino acid conservation, physicochemical variation, residue mobility, and thermodynamic stability) performed at Invitae indicates that this missense variant is not expected to disrupt DES protein function. In summary, the available evidence is currently insufficient to determine the role of this variant in disease. Therefore, it has been classified as a Variant of Uncertain Significance.

NM_001927.4(DES):c.164A>T (p.Gln55Leu)

Gene: DES (desmin; plus strand). Cytogenetic location: 2q35.
Variant type: single nucleotide variant.
Coding change: c.164A>T on transcript NM_001927.4 (MANE Select); coding-DNA position 164, A replaced by T.
Protein change: p.Gln55Leu; replaces glutamine 55 with leucine.
Molecular consequence: missense variant.
Genome position (GRCh38, 1-based): chr2:219,418,626, A>T. VCF-style: chr2-219418626-A-T. GRCh37 (hg19) VCF-style: chr2-220283348-A-T.
Other names: c.164A>T, p.Gln55Leu (NM_001382708.1, NM_001382709.1, NM_001382710.1 and 3 more transcripts); short protein forms Q55L.
Identifiers: ClinVar variation 2943780 (VCV002943780.3), dbSNP rs2545246358, ClinGen allele CA350683524.